The following is an entry in ClinVar:

ClinVar aggregate classification (germline): Uncertain significance (1 of 4 stars; one submission).

Conditions:
NCOA1-related disorder. Also called: NCOA1-related condition.

gnomAD v4.1: 1 of 1,613,914 alleles (0.000062%); highest among the groups gnomAD compares: East Asian, 0.0022%; no homozygotes.

Submission:

PreventionGenetics, part of Exact Sciences
Classification: Uncertain significance for NCOA1-related condition. Last evaluated: 2025-12-18. Review status: criteria provided, single submitter. Criteria: ACMG Guidelines, 2015. Collection method: clinical testing. Allele origin: germline.
Comment: The NCOA1 c.556G>A variant is predicted to result in the amino acid substitution p.Glu186Lys. To our knowledge, this variant has not been reported in the literature or in a large population database (gnomAD), indicating this variant is rare. At this time, the clinical significance of this variant is uncertain due to the absence of conclusive functional and genetic evidence.

NM_003743.5(NCOA1):c.556G>A (p.Glu186Lys)

Gene: NCOA1 (nuclear receptor coactivator 1; plus strand). Cytogenetic location: 2p23.3.
Variant type: single nucleotide variant.
Coding change: c.556G>A on transcript NM_003743.5 (MANE Select); coding-DNA position 556, G replaced by A.
Protein change: p.Glu186Lys; replaces glutamic acid 186 with lysine.
Molecular consequence: missense variant.
Genome position (GRCh38, 1-based): chr2:24,691,504, G>A. VCF-style: chr2-24691504-G-A. GRCh37 (hg19) VCF-style: chr2-24914373-G-A.
Other names: c.556G>A, p.Glu186Lys (NM_001362950.1, NM_001362952.1, NM_001362954.1 and 3 more transcripts); short protein forms E186K.
Identifiers: ClinVar variation 4991647 (VCV004991647.1).